The following is an entry in ClinVar:

NM_001298.3(CNGA3):c.1793T>C (p.Leu598Pro)

Gene: CNGA3 (cyclic nucleotide gated channel subunit alpha 3; plus strand). Cytogenetic location: 2q11.2.
Variant type: single nucleotide variant.
Coding change: c.1793T>C on transcript NM_001298.3 (MANE Select); coding-DNA position 1793, T replaced by C.
Protein change: p.Leu598Pro; replaces leucine 598 with proline.
Molecular consequence: missense variant.
Genome position (GRCh38, 1-based): chr2:98,396,963, T>C. VCF-style: chr2-98396963-T-C. GRCh37 (hg19) VCF-style: chr2-99013426-T-C.
Other names: c.1739T>C, p.Leu580Pro (NM_001079878.2); short protein forms L580P, L598P.
Identifiers: ClinVar variation 1997062 (VCV001997062.4), dbSNP rs2468061015, ClinGen allele CA347834306.

ClinVar aggregate classification (germline): Pathogenic (1 of 4 stars; one submission).

Submission:

Labcorp Genetics (formerly Invitae), Labcorp
Classification: Pathogenic. Last evaluated: 2025-12-08. Review status: criteria provided, single submitter. Criteria: Invitae Variant Classification Sherloc (09022015). Collection method: clinical testing. Allele origin: germline.
Comment: This sequence change replaces leucine, which is neutral and non-polar, with proline, which is neutral and non-polar, at codon 598 of the CNGA3 protein (p.Leu598Pro). This variant is not present in population databases (gnomAD no frequency). This missense change has been observed in individual(s) with clinical features of CNGA3-related conditions (internal data). In at least one individual the data is consistent with being in trans (on the opposite chromosome) from a pathogenic variant. ClinVar contains an entry for this variant (Variation ID: 1997062). Invitae Evidence Modeling of protein sequence and biophysical properties (such as structural, functional, and spatial information, amino acid conservation, physicochemical variation, residue mobility, and thermodynamic stability) indicates that this missense variant is expected to disrupt CNGA3 protein function with a positive predictive value of 95%. This variant disrupts the p.Leu598 amino acid residue in CNGA3. Other variant(s) that disrupt this residue have been observed in individuals with CNGA3-related conditions (PMID: 32913385; internal data), which suggests that this may be a clinically significant amino acid residue. For these reasons, this variant has been classified as Pathogenic.

Literature cited by the submitters: PubMed 32913385.